The following is an entry in ClinVar:

NM_001242896.3(DEPDC5):c.3485+1G>T

Gene: DEPDC5 (DEP domain containing 5, GATOR1 subcomplex subunit; plus strand). Cytogenetic location: 22q12.3.
Variant type: single nucleotide variant.
Coding change: c.3485+1G>T on transcript NM_001242896.3 (MANE Select); the canonical splice donor site of the intron after coding-DNA position 3485, G replaced by T.
Molecular consequence: splice donor variant.
Genome position (GRCh38, 1-based): chr22:31,870,745, G>T. VCF-style: chr22-31870745-G-T. GRCh37 (hg19) VCF-style: chr22-32266731-G-T.
Other names: c.3401+1G>T (NM_001369902.1, NM_001369901.1); c.3419+1G>T (NM_001364320.2, NM_001363852.2); c.3251+1G>T (NM_001364319.2, NM_001363854.2); c.3392+1G>T (NM_001369903.1, NM_014662.6); c.3485+1G>T (NM_001364318.2); c.3458+1G>T (NM_001136029.4); c.3185+1G>T (NM_001242897.2).
Identifiers: ClinVar variation 1493833 (VCV001493833.8), dbSNP rs2149231722, ClinGen allele CA411297028.
Genomic context (GRCh38, chr22:31,870,745, plus strand): 5'-TGGGAACTCCCAGAACATAGGAGAACAGGGCTACTCCTCCACAAACTCCAGTGACAGCAG[G>T]TGAGATTCAGAGTGGCCAAACTCATGTTCCTGGGGAGTGGGGACAGTCTGATCTCAAAGG-3'

ClinVar aggregate classification (germline): Likely pathogenic (1 of 4 stars; one submission).

Conditions:
Familial focal epilepsy with variable foci (FPEVF). Identifiers: Orphanet 98820, MedGen C1858477, MONDO:0020310.

Submission:

Labcorp Genetics (formerly Invitae), Labcorp
Classification: Likely pathogenic for Familial focal epilepsy with variable foci. Last evaluated: 2021-07-09. Review status: criteria provided, single submitter. Criteria: Invitae Variant Classification Sherloc (09022015). Collection method: clinical testing. Allele origin: germline.
Comment: In summary, the currently available evidence indicates that the variant is pathogenic, but additional data are needed to prove that conclusively. Therefore, this variant has been classified as Likely Pathogenic. Algorithms developed to predict the effect of sequence changes on RNA splicing suggest that this variant may disrupt the consensus splice site, but this prediction has not been confirmed by published transcriptional studies. This variant has been observed in individual(s) with clinical features of DEPDC5-related conditions (Invitae). This variant is not present in population databases (ExAC no frequency). This sequence change affects a donor splice site in intron 34 of the DEPDC5 gene. It is expected to disrupt RNA splicing. Variants that disrupt the donor or acceptor splice site typically lead to a loss of protein function (PMID: 16199547), and loss-of-function variants in DEPDC5 are known to be pathogenic (PMID: 23542697, 23542701).

Literature cited by the submitters: PubMed 16199547; PubMed 23542697; PubMed 23542701.